The following is an entry in ClinVar:

NM_001276270.2(MBD4):c.61A>G (p.Thr21Ala)

Gene: MBD4 (methyl-CpG binding domain 4, DNA glycosylase; minus strand). Cytogenetic location: 3q21.3.
Variant type: single nucleotide variant.
Coding change: c.61A>G on transcript NM_001276270.2 (MANE Select); coding-DNA position 61, A replaced by G.
Protein change: p.Thr21Ala; replaces threonine 21 with alanine.
Molecular consequence: missense variant.
Genome position (GRCh38, 1-based): chr3:129,439,773, T>C on the plus strand (A>G on the coding strand, the complement: MBD4 is on the minus strand). VCF-style: chr3-129439773-T-C. GRCh37 (hg19) VCF-style: chr3-129158616-T-C.
Other names: c.61A>G, p.Thr21Ala (NM_001276271.2, NM_001276272.2, NM_001276273.2 and 1 more transcripts); short protein forms T21A.
Identifiers: ClinVar variation 2030619 (VCV002030619.5), dbSNP rs1577077031, ClinGen allele CA354468891.

ClinVar aggregate classification (germline): Uncertain significance. Review status: criteria provided, multiple submitters, no conflicts (2 of 4 stars). 2 submissions from 2 submitters: Uncertain significance (2). Last evaluated 2025-11-11.

Conditions:
Inborn genetic diseases. Identifiers: MedGen C0950123, MeSH D030342.

Allele frequency attached by ClinVar (database versions not stated): gnomAD exomes below 0.00001.

Submissions (2):

Ambry Genetics
Classification: Uncertain significance for Inborn genetic diseases. Last evaluated: 2025-11-11. Review status: criteria provided, single submitter. Criteria: Ambry Variant Classification Scheme 2023. Collection method: clinical testing. Allele origin: germline.
Comment: The p.T21A variant (also known as c.61A>G), located in coding exon 1 of the MBD4 gene, results from an A to G substitution at nucleotide position 61. The threonine at codon 21 is replaced by alanine, an amino acid with similar properties. This amino acid position is conserved. In addition, this alteration is predicted to be tolerated by in silico analysis. Based on the available evidence, the clinical significance of this variant remains unclear.

Labcorp Genetics (formerly Invitae), Labcorp
Classification: Uncertain significance. Last evaluated: 2022-09-15. Review status: criteria provided, single submitter. Criteria: Invitae Variant Classification Sherloc (09022015). Collection method: clinical testing. Allele origin: germline.
Comment: This sequence change replaces threonine, which is neutral and polar, with alanine, which is neutral and non-polar, at codon 21 of the MBD4 protein (p.Thr21Ala). This variant is not present in population databases (gnomAD no frequency). This variant has not been reported in the literature in individuals affected with MBD4-related conditions. Algorithms developed to predict the effect of missense changes on protein structure and function output the following: SIFT: "Tolerated"; PolyPhen-2: "Benign"; Align-GVGD: "Class C0". The alanine amino acid residue is found in multiple mammalian species, which suggests that this missense change does not adversely affect protein function. In summary, the available evidence is currently insufficient to determine the role of this variant in disease. Therefore, it has been classified as a Variant of Uncertain Significance.